The following is an entry in ClinVar:

NM_000321.3(RB1):c.484T>G (p.Phe162Val)

Gene: RB1 (RB transcriptional corepressor 1; plus strand). Cytogenetic location: 13q14.2.
Variant type: single nucleotide variant.
Coding change: c.484T>G on transcript NM_000321.3 (MANE Select); coding-DNA position 484, T replaced by G.
Protein change: p.Phe162Val; replaces phenylalanine 162 with valine.
Molecular consequence: missense variant.
Genome position (GRCh38, 1-based): chr13:48,345,183, T>G. VCF-style: chr13-48345183-T-G. GRCh37 (hg19) VCF-style: chr13-48919319-T-G.
Other names: c.484T>G, p.Phe162Val (NM_001407165.1, NM_001407166.1); short protein forms F162V.
Identifiers: ClinVar variation 3787298 (VCV003787298.1).

ClinVar aggregate classification (germline): Uncertain significance (1 of 4 stars; one submission).

Conditions:
Hereditary cancer-predisposing syndrome. Also called: Neoplastic Syndromes, Hereditary; Hereditary Cancer Syndrome; Tumor predisposition; Hereditary neoplastic syndrome. Identifiers: Orphanet 140162, MedGen C0027672, MeSH D009386, MONDO:0015356.

Submission:

Ambry Genetics
Classification: Uncertain significance for Hereditary cancer-predisposing syndrome. Last evaluated: 2025-03-10. Review status: criteria provided, single submitter. Criteria: Ambry Variant Classification Scheme 2023. Collection method: clinical testing. Allele origin: germline.
Comment: The p.F162V variant (also known as c.484T>G), located in coding exon 4 of the RB1 gene, results from a T to G substitution at nucleotide position 484. The phenylalanine at codon 162 is replaced by valine, an amino acid with highly similar properties. This amino acid position is conserved. In addition, this alteration is predicted to be tolerated by in silico analysis. Based on the available evidence, the clinical significance of this variant remains unclear.